The following is an entry in ClinVar:

ClinVar aggregate classification (germline): Uncertain significance (1 of 4 stars; one submission).

Allele frequency attached by ClinVar (database versions not stated): ExAC 0.00001.

Submission:

Labcorp Genetics (formerly Invitae), Labcorp
Classification: Uncertain significance. Last evaluated: 2021-10-20. Review status: criteria provided, single submitter. Criteria: Invitae Variant Classification Sherloc (09022015). Collection method: clinical testing. Allele origin: germline.
Comment: This sequence change replaces serine with leucine at codon 2338 of the SZT2 protein (p.Ser2338Leu). The serine residue is highly conserved and there is a large physicochemical difference between serine and leucine. The frequency data for this variant in the population databases is considered unreliable, as metrics indicate poor data quality at this position in the ExAC database. This variant has not been reported in the literature in individuals affected with SZT2-related conditions. Algorithms developed to predict the effect of missense changes on protein structure and function are either unavailable or do not agree on the potential impact of this missense change (SIFT: "Deleterious"; PolyPhen-2: "Benign"; Align-GVGD: "Class C25"). In summary, the available evidence is currently insufficient to determine the role of this variant in disease. Therefore, it has been classified as a Variant of Uncertain Significance.

NM_001365999.1(SZT2):c.7184C>T (p.Ser2395Leu)

Gene: SZT2 (SZT2 subunit of KICSTOR complex; plus strand). Cytogenetic location: 1p34.2.
Variant type: single nucleotide variant.
Coding change: c.7184C>T on transcript NM_001365999.1 (MANE Select); coding-DNA position 7184, C replaced by T.
Protein change: p.Ser2395Leu; replaces serine 2395 with leucine.
Molecular consequence: missense variant.
Genome position (GRCh38, 1-based): chr1:43,440,022, C>T. VCF-style: chr1-43440022-C-T. GRCh37 (hg19) VCF-style: chr1-43905693-C-T.
Other names: c.7013C>T, p.Ser2338Leu (NM_015284.4); short protein forms S2395L, S2338L.
Identifiers: ClinVar variation 1345776 (VCV001345776.3), dbSNP rs780007109, ClinGen allele CA810129.